The following is an entry in ClinVar:

ClinVar aggregate classification (germline): Uncertain significance (1 of 4 stars; one submission).

Conditions:
Hypertrophic cardiomyopathy. Also called: HYPERTROPHIC MYOCARDIOPATHY. Identifiers: Orphanet 217569, MedGen C0007194, MeSH D002312, MONDO:0005045, HP:0001639.

Submission:

All of Us Research Program, National Institutes of Health
Classification: Uncertain significance for Hypertrophic cardiomyopathy. Last evaluated: 2023-05-04. Review status: criteria provided, single submitter. Criteria: ACMG Guidelines, 2015. Collection method: clinical testing. Allele origin: germline. Inheritance: Autosomal dominant inheritance. Observed: 1 variant allele, 1 heterozygote.
Comment: This variant causes an A to G nucleotide substitution at the +4 position of intron 12 of the MYBPC3 gene. To our knowledge, functional studies have not been reported for this variant. This variant has not been reported in individuals affected with MYBPC3-related disorders in the literature. This variant has not been identified in the general population by the Genome Aggregation Database (gnomAD). The available evidence is insufficient to determine the role of this variant in disease conclusively. Therefore, this variant is classified as a Variant of Uncertain Significance.

This study involves interpretation of variants in research participants for the purpose of population health screening. Participant phenotype was not available at the time of variant classification. Additional details can be found in publication PMID: 35346344, PMCID: PMC8962531

NM_000256.3(MYBPC3):c.1090+4A>G

Gene: MYBPC3 (myosin binding protein C3; minus strand). Cytogenetic location: 11p11.2.
Variant type: single nucleotide variant.
Coding change: c.1090+4A>G on transcript NM_000256.3 (MANE Select); 4 bases into the intron after coding-DNA position 1090, A replaced by G.
Molecular consequence: intron variant.
Genome position (GRCh38, 1-based): chr11:47,346,203, T>C on the plus strand (A>G on the coding strand, the complement: MYBPC3 is on the minus strand). VCF-style: chr11-47346203-T-C. GRCh37 (hg19) VCF-style: chr11-47367754-T-C.
Identifiers: ClinVar variation 3070835 (VCV003070835.1), dbSNP rs2495770197, ClinGen allele CA2825002013.
Genomic context (GRCh38, chr11:47,346,203, plus strand): 5'-TCCTCTCCTGTGTAGGGAAGGGCTAGCCTGTGCCCTCTCCTCTCCCCTCTGAGGAAGGGC[T>C]AACCTGTGCTCTTCTTCTCATCGCGCCTCATGCCCTTGAGCCTCTTTAGCATGCCGCGCA-3'